The following is an entry in ClinVar:

NM_000057.4(BLM):c.425G>A (p.Ser142Asn)

Gene: BLM (BLM RecQ like helicase; plus strand). Cytogenetic location: 15q26.1.
Variant type: single nucleotide variant.
Coding change: c.425G>A on transcript NM_000057.4 (MANE Select); coding-DNA position 425, G replaced by A.
Protein change: p.Ser142Asn; replaces serine 142 with asparagine.
Molecular consequence: missense variant. On other transcripts: 5 prime UTR variant (1).
Genome position (GRCh38, 1-based): chr15:90,749,693, G>A. VCF-style: chr15-90749693-G-A. GRCh37 (hg19) VCF-style: chr15-91292923-G-A.
Other names: c.425G>A, p.Ser142Asn (NM_001287246.2, NM_001287247.2); c.-867G>A (NM_001287248.2); short protein forms S142N.
Identifiers: ClinVar variation 3991656 (VCV003991656.1).
Genomic context (GRCh38, chr15:90,749,693, plus strand): 5'-CCCAAAACACACCAACTGTAAAGAAATCCCGGGATACTGCTCTCAAGAAATTAGAATTTA[G>A]TTCTTCACCAGATTCTTTAAGTACCATCAATGATTGGGATGATATGGATGACTTTGATAC-3'
Protein context (NP_000048.1, residues 132-152): RDTALKKLEF[Ser142Asn]SSPDSLSTIN

ClinVar aggregate classification (germline): Uncertain significance (1 of 4 stars; one submission).

Conditions:
Hereditary cancer-predisposing syndrome. Also called: Tumor predisposition; Hereditary neoplastic syndrome; Neoplastic Syndromes, Hereditary; Hereditary Cancer Syndrome. Identifiers: Orphanet 140162, MedGen C0027672, MeSH D009386, MONDO:0015356.

Submission:

Ambry Genetics
Classification: Uncertain significance for Hereditary cancer-predisposing syndrome. Last evaluated: 2025-04-24. Review status: criteria provided, single submitter. Criteria: Ambry Variant Classification Scheme 2023. Collection method: clinical testing. Allele origin: germline.
Comment: The p.S142N variant (also known as c.425G>A), located in coding exon 2 of the BLM gene, results from a G to A substitution at nucleotide position 425. The serine at codon 142 is replaced by asparagine, an amino acid with highly similar properties. This amino acid position is conserved. In addition, this alteration is predicted to be tolerated by in silico analysis. Based on the available evidence, the clinical significance of this variant remains unclear.